The following is an entry in ClinVar:

NM_001374736.1(DST):c.21337C>T (p.Arg7113Cys)

Gene: DST (dystonin; minus strand). Cytogenetic location: 6p12.1.
Variant type: single nucleotide variant.
Coding change: c.21337C>T on transcript NM_001374736.1 (MANE Select); coding-DNA position 21337, C replaced by T.
Protein change: p.Arg7113Cys; replaces arginine 7113 with cysteine.
Molecular consequence: missense variant.
Genome position (GRCh38, 1-based): chr6:56,482,748, G>A on the plus strand (C>T on the coding strand, the complement: DST is on the minus strand). VCF-style: chr6-56482748-G-A. GRCh37 (hg19) VCF-style: chr6-56347546-G-A.
Other names: c.14980C>T, p.Arg4994Cys (NM_001144769.5); c.14566C>T, p.Arg4856Cys (NM_001144770.2); c.21337C>T, p.Arg7113Cys (NM_001374722.1); c.20377C>T, p.Arg6793Cys (NM_001374729.1); c.14119C>T, p.Arg4707Cys (NM_001374730.1); c.21364C>T, p.Arg7122Cys (NM_001374734.1); c.14446C>T, p.Arg4816Cys (NM_001386100.1, NM_183380.4); c.13468C>T, p.Arg4490Cys (NM_015548.5); short protein forms R4490C, R4707C, R4816C, R4994C, R4856C, R7113C, R6793C, R7122C.
Identifiers: ClinVar variation 1446778 (VCV001446778.6), dbSNP rs1340867606, ClinGen allele CA364512139.

ClinVar aggregate classification (germline): Uncertain significance. Review status: criteria provided, multiple submitters, no conflicts (2 of 4 stars). 2 submissions from 2 submitters: Uncertain significance (2). Last evaluated 2022-06-06.

Conditions:
Inborn genetic diseases. Identifiers: MedGen C0950123, MeSH D030342.
Hereditary sensory and autonomic neuropathy type 6. Also called: HSAN VI; Neuropathy, hereditary sensory and autonomic, type VI. Identifiers: Orphanet 314381, MedGen C3539003, MONDO:0013839, OMIM 614653.
Epidermolysis bullosa simplex 3, localized or generalized intermediate, with BP230 deficiency (EBS3). Also called: Epidermolysis bullosa simplex, autosomal recessive 2; Epidermolysis bullosa simplex due to BP230 deficiency. Identifiers: Orphanet 412181, MedGen C3809470, MONDO:0014180, OMIM 615425.

Allele frequency attached by ClinVar (database versions not stated): gnomAD exomes 0.00001; TOPMed 0.00001.
gnomAD v4.1: 9 of 1,613,824 alleles (0.00056%); highest among the groups gnomAD compares: South Asian, 0.0022%; no homozygotes.

Submissions (2):

Ambry Genetics
Classification: Uncertain significance for Inborn genetic diseases. Last evaluated: 2022-06-06. Review status: criteria provided, single submitter. Criteria: Ambry Variant Classification Scheme 2023. Collection method: clinical testing. Allele origin: germline.
Comment: The p.R4994C variant (also known as c.14980C>T), located in coding exon 83 of the DST gene, results from a C to T substitution at nucleotide position 14980. The arginine at codon 4994 is replaced by cysteine, an amino acid with highly dissimilar properties. This amino acid position is highly conserved in available vertebrate species. In addition, this alteration is predicted to be deleterious by in silico analysis. Since supporting evidence is limited at this time, the clinical significance of this alteration remains unclear.

Labcorp Genetics (formerly Invitae), Labcorp
Classification: Uncertain significance for Epidermolysis bullosa simplex 3, localized or generalized intermediate, with BP230 deficiency; Hereditary sensory and autonomic neuropathy type 6. Last evaluated: 2021-10-22. Review status: criteria provided, single submitter. Criteria: Invitae Variant Classification Sherloc (09022015). Collection method: clinical testing. Allele origin: germline.
Comment: In summary, the available evidence is currently insufficient to determine the role of this variant in disease. Therefore, it has been classified as a Variant of Uncertain Significance. Experimental studies and prediction algorithms are not available or were not evaluated, and the functional significance of this variant is currently unknown. This variant has not been reported in the literature in individuals affected with DST-related conditions. This variant is present in population databases (no rsID available, gnomAD 0.006%). This sequence change replaces arginine, which is basic and polar, with cysteine, which is neutral and slightly polar, at codon 4490 of the DST protein (p.Arg4490Cys). The DST gene has multiple clinically relevant transcripts. This variant occurs in alternate transcript NM_015548.4, and corresponds to NM_001723.5:c.*132769C>T in the primary transcript.